The following is an entry in ClinVar:

ClinVar aggregate classification (germline): Uncertain significance (1 of 4 stars; one submission).

Conditions:
Hereditary cancer-predisposing syndrome. Also called: Neoplastic Syndromes, Hereditary; Tumor predisposition; Hereditary Cancer Syndrome; Hereditary neoplastic syndrome. Identifiers: Orphanet 140162, MedGen C0027672, MeSH D009386, MONDO:0015356.

Submission:

Ambry Genetics
Classification: Uncertain significance for Hereditary cancer-predisposing syndrome. Last evaluated: 2019-07-26. Review status: criteria provided, single submitter. Criteria: Ambry Variant Classification Scheme 2023. Collection method: clinical testing. Allele origin: germline.
Comment: The c.1583_1600dup18 variant (also known as p.G528_V533dup), located in coding exon 11 of the PMS2 gene, results from an in-frame duplication of 18 nucleotides at nucleotide positions 1583 to 1600. This results in the duplication of 6 extra residues (GSQEHV) between codons 528 and 533. Since supporting evidence is limited at this time, the clinical significance of this alteration remains unclear.

NM_000535.7(PMS2):c.1583_1600dup (p.Gly528_Val533dup)

Gene: PMS2 (PMS1 homolog 2, mismatch repair system component; minus strand). Cytogenetic location: 7p22.1.
Variant type: Duplication.
Coding change: c.1583_1600dup on transcript NM_000535.7 (MANE Select); coding-DNA positions 1583 to 1600, 18 bases duplicated (GCTCGCAGGAACATGTGG).
Protein change: p.Gly528_Val533dup.
Molecular consequence: inframe insertion. On other transcripts: non-coding transcript variant (1).
Genome position (GRCh38, 1-based): chr7:5,987,165-5,987,182, CCACATGTTCCTGCGAGC duplicated on the plus strand (GCTCGCAGGAACATGTGG on the coding strand, the reverse complement: PMS2 is on the minus strand); duplicating any 18 consecutive bases within chr7:5,987,165-5,987,184 gives the same sequence; the c. name uses the placement nearest the transcript's 3' end. VCF-style (leftmost placement, unchanged base first): chr7-5987164-T-TCCACATGTTCCTGCGAGC. GRCh37 (hg19) VCF-style: chr7-6026795-T-TCCACATGTTCCTGCGAGC.
Other names: c.1178_1195dup, p.Gly393_Val398dup (NM_001322003.2, NM_001322004.2, NM_001322005.2 and 1 more transcripts); c.1427_1444dup, p.Gly476_Val481dup (NM_001322006.2); c.1265_1282dup, p.Gly422_Val427dup (NM_001322007.2, NM_001322008.2); c.1022_1039dup, p.Gly341_Val346dup (NM_001322010.2); c.650_667dup, p.Gly217_Val222dup (NM_001322011.2, NM_001322012.2); c.1010_1027dup, p.Gly337_Val342dup (NM_001322013.2); c.1583_1600dup, p.Gly528_Val533dup (NM_001322014.2); c.1274_1291dup, p.Gly425_Val430dup (NM_001322015.2).
Identifiers: ClinVar variation 819586 (VCV000819586.4), dbSNP rs1583317804, ClinGen allele CA915944865.
Genomic context (GRCh38, chr7:5,987,164, plus strand): 5'-TTTGAATGGCAGTCCACATCTGAAAAAGAGTCGTCAGTTTTAGGCGCTTTCTCCTGAGAG[T>TCCACATGTTCCTGCGAGC]CCACATGTTCCTGCGAGCCCCTGTCCCCTGGGGAGCTGGCCGCATACTCGCTGCTGCAGT-3'